The following is an entry in ClinVar:

NM_000202.8(IDS):c.613del (p.Ala205fs)

Genes: IDS (iduronate 2-sulfatase; minus strand), LOC106050102 (IDS recombination region; plus strand). Cytogenetic location: Xq28.
Variant type: Deletion.
Coding change: c.613del on transcript NM_000202.8 (MANE Select); coding-DNA position 613, one base deleted (G; older notation c.613delG).
Protein change: p.Ala205fs; shifts the reading frame from alanine 205.
Molecular consequence: frameshift variant. On other transcripts: non-coding transcript variant (1).
Genome position (GRCh38, 1-based): chrX:149,498,202, C deleted on the plus strand (G on the coding strand, the reverse complement: IDS is on the minus strand). VCF-style (leftmost placement, unchanged base first): chrX-149498201-GC-G. GRCh37 (hg19) VCF-style: chrX-148579732-GC-G.
Other names: c.343del, p.Ala115fs (NM_001166550.4); c.613del, p.Ala205fs (NM_006123.5); short protein forms A115fs, A205fs.
Identifiers: ClinVar variation 988677 (VCV000988677.3), dbSNP rs2089451478, ClinGen allele CA2465009229.

ClinVar aggregate classification (germline): Pathogenic. Review status: criteria provided, single submitter (1 of 4 stars). 2 submissions from 2 submitters: Pathogenic (1). 1 of the submissions does not count toward it. Last evaluated 2024-06-07.

Conditions:
Mucopolysaccharidosis, MPS-II (MPS2). Also called: IDS deficiency; Sulfoiduronate sulfatase deficiency; SIDS deficiency; Mucopolysaccharidosis type 2; Mucopolysaccharidosis Type II; Attenuated MPS (subtype; formerly known as mild MPS II). Identifiers: Orphanet 580, Orphanet 79388, MedGen C0026705, MONDO:0010674, OMIM 309900.

Submissions (2):

Laboratory of Diagnosis and Therapy of Lysosomal Disorders, University of Padova
Classification: Pathogenic for Mucopolysaccharidosis, MPS-II. Last evaluated: 2024-06-07. Review status: criteria provided, single submitter. Criteria: ACMG Guidelines, 2015. Collection method: literature only. Allele origin: germline. Affected: yes. Observed: 1 variant allele.
Comment: Null variant (PVS1_VeryStrong), Absent from controls (or at low frequency) in gnomAD database (PM2_Moderate), Patient’s phenotype or family history highly specific for the disease (PP4_Strong)

Classification method: ACMG Guidelines [PMID:25741868] with modifications

Laboratory of Inherited Metabolic Diseases, Research centre for medical genetics
Classification: Pathogenic for Mucopolysaccharidosis, type II; MPS2. Review status: no assertion criteria provided. Collection method: research. Allele origin: germline. Affected: yes. Not counted in ClinVar's aggregate classification.

Literature cited by the submitters: PubMed 33676511 (cited by Laboratory of Diagnosis and Therapy of Lysosomal Disorders, University of Padova).